The following is an entry in ClinVar:

ClinVar aggregate classification (germline): Uncertain significance (1 of 4 stars; one submission).

Conditions:
Peroxisome biogenesis disorder. Identifiers: Orphanet 79189, MedGen C1832200, MONDO:0019234. Disease mechanism: loss of function.

Allele frequency attached by ClinVar (database versions not stated): gnomAD 0.00001.
gnomAD v4.1: 2 of 1,613,946 alleles (0.00012%); highest among the groups gnomAD compares: Non-Finnish European, 0.00017%; no homozygotes.

Submission:

Labcorp Genetics (formerly Invitae), Labcorp
Classification: Uncertain significance for Peroxisome biogenesis disorder. Last evaluated: 2023-08-10. Review status: criteria provided, single submitter. Criteria: Invitae Variant Classification Sherloc (09022015). Collection method: clinical testing. Allele origin: germline.
Comment: Advanced modeling of protein sequence and biophysical properties (such as structural, functional, and spatial information, amino acid conservation, physicochemical variation, residue mobility, and thermodynamic stability) has been performed at Invitae for this missense variant, however the output from this modeling did not meet the statistical confidence thresholds required to predict the impact of this variant on PEX6 protein function. In summary, the available evidence is currently insufficient to determine the role of this variant in disease. Therefore, it has been classified as a Variant of Uncertain Significance. This sequence change replaces phenylalanine, which is neutral and non-polar, with isoleucine, which is neutral and non-polar, at codon 345 of the PEX6 protein (p.Phe345Ile). This variant is not present in population databases (gnomAD no frequency). This variant has not been reported in the literature in individuals affected with PEX6-related conditions. ClinVar contains an entry for this variant (Variation ID: 1363043).

NM_000287.4(PEX6):c.1033T>A (p.Phe345Ile)

Gene: PEX6 (peroxisomal biogenesis factor 6; minus strand). Cytogenetic location: 6p21.1.
Variant type: single nucleotide variant.
Coding change: c.1033T>A on transcript NM_000287.4 (MANE Select); coding-DNA position 1033, T replaced by A.
Protein change: p.Phe345Ile; replaces phenylalanine 345 with isoleucine.
Molecular consequence: missense variant. On other transcripts: non-coding transcript variant (1).
Genome position (GRCh38, 1-based): chr6:42,974,888, A>T on the plus strand (T>A on the coding strand, the complement: PEX6 is on the minus strand). VCF-style: chr6-42974888-A-T. GRCh37 (hg19) VCF-style: chr6-42942626-A-T.
Other names: c.769T>A, p.Phe257Ile (NM_001316313.2); short protein forms F257I, F345I.
Identifiers: ClinVar variation 1363043 (VCV001363043.8), dbSNP rs1770222482, ClinGen allele CA364159401.
Genomic context (GRCh38, chr6:42,974,888, plus strand): 5'-GTAATGAGGGTGAGAAGCTATCCTCCTTAAAAGGTTAGGTAGCTAACCTGGGTATCTGAA[A>T]GTGCCGGTAAAGAACACCGTCATAATTTCCATTAGTGCTGTAGTGGGGAGAAGACACAAT-3'
Protein context (NP_000278.3, residues 335-355): GNYDGVLYRH[Phe345Ile]QIPRVVQEGD